The following is an entry in ClinVar:

ClinVar aggregate classification (germline): Likely pathogenic (1 of 4 stars; one submission).

Conditions:
Progressive microcephaly-seizures-cortical blindness-developmental delay syndrome. Also called: Seizures, cortical blindness, and microcephaly syndrome. Identifiers: Orphanet 477814, MedGen C5567650, MONDO:0014714, OMIM 616632.
Autosomal dominant nonsyndromic hearing loss 1. Also called: DEAFNESS, AUTOSOMAL DOMINANT 1, WITH OR WITHOUT THROMBOCYTOPENIA; KONIGSMARK SYNDROME. Identifiers: Orphanet 90635, MedGen C1852282, MONDO:0007424, OMIM 124900.

Submission:

Labcorp Genetics (formerly Invitae), Labcorp
Classification: Likely pathogenic for Progressive microcephaly-seizures-cortical blindness-developmental delay syndrome; Autosomal dominant nonsyndromic hearing loss 1. Last evaluated: 2022-07-27. Review status: criteria provided, single submitter. Criteria: Invitae Variant Classification Sherloc (09022015). Collection method: clinical testing. Allele origin: germline.
Comment: In summary, the currently available evidence indicates that the variant is pathogenic, but additional data are needed to prove that conclusively. Therefore, this variant has been classified as Likely Pathogenic. This sequence change affects a donor splice site in intron 20 of the DIAPH1 gene. It is expected to disrupt RNA splicing. Variants that disrupt the donor or acceptor splice site typically lead to a loss of protein function (PMID: 16199547), and loss-of-function variants in DIAPH1 are known to be pathogenic (PMID: 24781755, 26463574). This variant is not present in population databases (gnomAD no frequency). This variant has not been reported in the literature in individuals affected with DIAPH1-related conditions. Algorithms developed to predict the effect of sequence changes on RNA splicing suggest that this variant may disrupt the consensus splice site.

Literature cited by the submitters: PubMed 16199547; PubMed 24781755; PubMed 26463574.

NM_005219.5(DIAPH1):c.2676+2T>G

Gene: DIAPH1 (diaphanous related formin 1; minus strand). Cytogenetic location: 5q31.3.
Variant type: single nucleotide variant.
Coding change: c.2676+2T>G on transcript NM_005219.5 (MANE Select); the canonical splice donor site of the intron after coding-DNA position 2676, T replaced by G.
Molecular consequence: splice donor variant.
Genome position (GRCh38, 1-based): chr5:141,529,601, A>C on the plus strand (T>G on the coding strand, the complement: DIAPH1 is on the minus strand). VCF-style: chr5-141529601-A-C. GRCh37 (hg19) VCF-style: chr5-140909168-A-C.
Other names: c.2649+2T>G (NM_001079812.3); c.2676+2T>G (NM_001314007.2).
Identifiers: ClinVar variation 2019843 (VCV002019843.4), dbSNP rs2513627688, ClinGen allele CA361586173.
Genomic context (GRCh38, chr5:141,529,601, plus strand): 5'-GATGAGGCCAGTGCCCAGCGACACAGAAGAGCCTGCTCCAGCAGAACCACCTTACTCCTT[A>C]CCTGGATCATAGACTCAGTCAGAACAGCCTCATTCACCTCCAGGATGACATTCTTAATCT-3'